The following is an entry in ClinVar:

NM_016648.4(LARP7):c.680G>A (p.Arg227Gln)

Genes: LARP7 (La ribonucleoprotein 7, transcriptional regulator; plus strand), MIR302CHG (miR-302/367 cluster host gene; minus strand). Cytogenetic location: 4q25.
Variant type: single nucleotide variant.
Coding change: c.680G>A on transcript NM_016648.4 (MANE Select); coding-DNA position 680, G replaced by A.
Protein change: p.Arg227Gln; replaces arginine 227 with glutamine.
Molecular consequence: missense variant.
Genome position (GRCh38, 1-based): chr4:112,647,232, G>A. VCF-style: chr4-112647232-G-A. GRCh37 (hg19) VCF-style: chr4-113568388-G-A.
Other names: c.443G>A, p.Arg148Gln (NM_001370981.1, NM_001370982.1); c.680G>A, p.Arg227Gln (NM_015454.3, NM_001267039.4, NM_001370974.1 and 2 more transcripts); c.677G>A, p.Arg226Gln (NM_001370976.1, NM_001370977.1, NM_001370979.1 and 1 more transcripts); short protein forms R148Q, R226Q, R227Q.
Identifiers: ClinVar variation 4731293 (VCV004731293.1).
Genomic context (GRCh38, chr4:112,647,232, plus strand): 5'-GAACTAATAATGATGGCACTTTTACAGAAGAGAAGAAAAAGAAAAAGAAGAAGAAAGGCC[G>A]AATGAAAAAGGAAGACAATATCCAAGCCAAAGAAGAAAACATGGACACAAGCAACACCAG-3'
Protein context (NP_057732.2, residues 217-237): EKKKKKKKKG[Arg227Gln]MKKEDNIQAK

ClinVar aggregate classification (germline): Uncertain significance (1 of 4 stars; one submission).

Submission:

Labcorp Genetics (formerly Invitae), Labcorp
Classification: Uncertain significance. Last evaluated: 2025-04-23. Review status: criteria provided, single submitter. Criteria: Invitae Variant Classification Sherloc (09022015). Collection method: clinical testing. Allele origin: germline.
Comment: This sequence change replaces arginine, which is basic and polar, with glutamine, which is neutral and polar, at codon 227 of the LARP7 protein (p.Arg227Gln). The frequency data for this variant in the population databases is considered unreliable, as metrics indicate poor data quality at this position in the gnomAD database. This variant has not been reported in the literature in individuals affected with LARP7-related conditions. Invitae Evidence Modeling of protein sequence and biophysical properties (such as structural, functional, and spatial information, amino acid conservation, physicochemical variation, residue mobility, and thermodynamic stability) indicates that this missense variant is not expected to disrupt LARP7 protein function with a negative predictive value of 80%. In summary, the available evidence is currently insufficient to determine the role of this variant in disease. Therefore, it has been classified as a Variant of Uncertain Significance.